The following is an entry in ClinVar:

NM_001267550.2(TTN):c.80186C>T (p.Ala26729Val)

Genes: TTN (titin; minus strand), TTN-AS1 (TTN antisense RNA 1; plus strand). Cytogenetic location: 2q31.2.
Variant type: single nucleotide variant.
Coding change: c.80186C>T on transcript NM_001267550.2 (MANE Select); coding-DNA position 80186, C replaced by T.
Protein change: p.Ala26729Val; replaces alanine 26729 with valine.
Molecular consequence: missense variant.
Genome position (GRCh38, 1-based): chr2:178,565,946, G>A on the plus strand (C>T on the coding strand, the complement: TTN is on the minus strand). VCF-style: chr2-178565946-G-A. GRCh37 (hg19) VCF-style: chr2-179430673-G-A.
Other names: c.75263C>T, p.Ala25088Val (NM_001256850.1); c.52991C>T, p.Ala17664Val (NM_003319.4); c.72482C>T, p.Ala24161Val (NM_133378.4); c.53366C>T, p.Ala17789Val (NM_133432.3); c.53567C>T, p.Ala17856Val (NM_133437.4); short protein forms A17664V, A17856V, A24161V, A25088V, A17789V, A26729V.
Identifiers: ClinVar variation 1746662 (VCV001746662.2), dbSNP rs747650124, ClinGen allele CA1989381.

ClinVar aggregate classification (germline): Uncertain significance (1 of 4 stars; one submission).

Conditions:
Cardiovascular phenotype. Identifiers: MedGen CN230736.

Allele frequency attached by ClinVar (database versions not stated): ExAC 0.00001; gnomAD exomes 0.00002; gnomAD 0.00003; TOPMed 0.00003.
gnomAD v4.1: 29 of 1,613,420 alleles (0.0018%); highest among the groups gnomAD compares: African/African-American, 0.0067%; no homozygotes.

Submission:

Ambry Genetics
Classification: Uncertain significance for Cardiovascular phenotype. Last evaluated: 2019-06-19. Review status: criteria provided, single submitter. Criteria: Ambry Variant Classification Scheme 2023. Collection method: clinical testing. Allele origin: germline.
Comment: The p.A17664V variant (also known as c.52991C>T), located in coding exon 153 of the TTN gene, results from a C to T substitution at nucleotide position 52991. The alanine at codon 17664 is replaced by valine, an amino acid with similar properties. This amino acid position is highly conserved in available vertebrate species. In addition, this alteration is predicted to be tolerated by in silico analysis. Since supporting evidence is limited at this time, the clinical significance of this alteration remains unclear.